The following is an entry in ClinVar:

ClinVar aggregate classification (germline): Uncertain significance (1 of 4 stars; one submission).

Conditions:
Muscular dystrophy-dystroglycanopathy (congenital with impaired intellectual development), type B, 1. Also called: Muscular dystrophy-dystroglycanopathy (congenital with intellectual disability), type B1; MUSCULAR DYSTROPHY, CONGENITAL, POMT1-RELATED. Identifiers: MedGen C5436962, MONDO:0013159, OMIM 613155.
Walker-Warburg congenital muscular dystrophy. Also called: Muscular dystrophy-dystroglycanopathy, type A; Walker-Warburg syndrome. Identifiers: Orphanet 899, MedGen C0265221, MONDO:0000171.
Autosomal recessive limb-girdle muscular dystrophy type 2K. Also called: MUSCULAR DYSTROPHY-DYSTROGLYCANOPATHY (LIMB-GIRDLE), TYPE C, 1; MUSCULAR DYSTROPHY, LIMB-GIRDLE, TYPE 2K. Identifiers: Orphanet 86812, MedGen C1836373, MONDO:0012248, OMIM 609308.

Allele frequency attached by ClinVar (database versions not stated): TOPMed below 0.00001; gnomAD 0.00001.
gnomAD v4.1: 4 of 1,614,070 alleles (0.00025%); highest among the groups gnomAD compares: Non-Finnish European, 0.00034%; no homozygotes.

Submission:

Labcorp Genetics (formerly Invitae), Labcorp
Classification: Uncertain significance for Muscular dystrophy-dystroglycanopathy (congenital with impaired intellectual development), type B, 1; Walker-Warburg congenital muscular dystrophy; Autosomal recessive limb-girdle muscular dystrophy type 2K. Last evaluated: 2024-07-17. Review status: criteria provided, single submitter. Criteria: Invitae Variant Classification Sherloc (09022015). Collection method: clinical testing. Allele origin: germline.
Comment: This sequence change replaces leucine, which is neutral and non-polar, with phenylalanine, which is neutral and non-polar, at codon 114 of the POMT1 protein (p.Leu114Phe). This variant is present in population databases (no rsID available, gnomAD 0.0009%). This variant has not been reported in the literature in individuals affected with POMT1-related conditions. ClinVar contains an entry for this variant (Variation ID: 2067632). Advanced modeling of protein sequence and biophysical properties (such as structural, functional, and spatial information, amino acid conservation, physicochemical variation, residue mobility, and thermodynamic stability) performed at Invitae indicates that this missense variant is not expected to disrupt POMT1 protein function with a negative predictive value of 95%. In summary, the available evidence is currently insufficient to determine the role of this variant in disease. Therefore, it has been classified as a Variant of Uncertain Significance.

NM_001077365.2(POMT1):c.342G>T (p.Leu114Phe)

Gene: POMT1 (protein O-mannosyltransferase 1; plus strand). Cytogenetic location: 9q34.13.
Variant type: single nucleotide variant.
Coding change: c.342G>T on transcript NM_001077365.2 (MANE Select); coding-DNA position 342, G replaced by T.
Protein change: p.Leu114Phe; replaces leucine 114 with phenylalanine.
Molecular consequence: missense variant. On other transcripts: 5 prime UTR variant (5), non-coding transcript variant (9), intron variant (2).
Genome position (GRCh38, 1-based): chr9:131,507,429, G>T. VCF-style: chr9-131507429-G-T. GRCh37 (hg19) VCF-style: chr9-134382816-G-T.
Other names: c.342G>T, p.Leu114Phe (NM_001353193.2, NM_001374690.1, NM_007171.4 and 1 more transcripts); c.180G>T, p.Leu60Phe (NM_001353194.2, NM_001353197.2, NM_001353198.2 and 3 more transcripts); c.-10G>T (NM_001353195.2, NM_001353199.2, NM_001374691.1 and 2 more transcripts); c.252G>T, p.Leu84Phe (NM_001353196.2); c.-29-1482G>T (NM_001374695.1); c.-30+976G>T (NM_001353200.2); short protein forms L84F, L60F, L114F.
Identifiers: ClinVar variation 2067632 (VCV002067632.3), dbSNP rs773517089, ClinGen allele CA375306315.